The following is an entry in ClinVar:

NM_015272.5(RPGRIP1L):c.3835+5G>A

Gene: RPGRIP1L (RPGRIP1 like; minus strand). Cytogenetic location: 16q12.2.
Variant type: single nucleotide variant.
Coding change: c.3835+5G>A on transcript NM_015272.5 (MANE Select); 5 bases into the intron after coding-DNA position 3835, G replaced by A.
Molecular consequence: intron variant.
Genome position (GRCh38, 1-based): chr16:53,605,476, C>T on the plus strand (G>A on the coding strand, the complement: RPGRIP1L is on the minus strand). VCF-style: chr16-53605476-C-T. GRCh37 (hg19) VCF-style: chr16-53639388-C-T.
Other names: c.3595+5G>A (NM_001127897.4); c.3733+5G>A (NM_001330538.2); c.3697+5G>A (NM_001308334.3).
Identifiers: ClinVar variation 1361384 (VCV001361384.6), dbSNP rs754798360, ClinGen allele CA281349758.

ClinVar aggregate classification (germline): Uncertain significance (1 of 4 stars; one submission).

Conditions:
Joubert syndrome. Also called: CEREBELLOPARENCHYMAL DISORDER IV; JOUBERT-BOLTSHAUSER SYNDROME; Familial aplasia of the vermis. Identifiers: Orphanet 475, MedGen C5979921, MONDO:0018772.
Meckel-Gruber syndrome. Also called: DYSENCEPHALIA SPLANCHNOCYSTICA; GRUBER SYNDROME; Dysencephalia splachnocystica. Identifiers: Orphanet 564, MedGen C0265215, MONDO:0018921.

Allele frequency attached by ClinVar (database versions not stated): gnomAD exomes 0.00002.
gnomAD v4.1: 22 of 1,614,108 alleles (0.0014%); highest among the groups gnomAD compares: Non-Finnish European, 0.0019%; no homozygotes.

Submission:

Labcorp Genetics (formerly Invitae), Labcorp
Classification: Uncertain significance for Joubert syndrome; Meckel-Gruber syndrome. Last evaluated: 2024-12-16. Review status: criteria provided, single submitter. Criteria: Invitae Variant Classification Sherloc (09022015). Collection method: clinical testing. Allele origin: germline.
Comment: This sequence change falls in intron 26 of the RPGRIP1L gene. It does not directly change the encoded amino acid sequence of the RPGRIP1L protein. It affects a nucleotide within the consensus splice site. This variant is not present in population databases (gnomAD no frequency). This variant has not been reported in the literature in individuals affected with RPGRIP1L-related conditions. ClinVar contains an entry for this variant (Variation ID: 1361384). Variants that disrupt the consensus splice site are a relatively common cause of aberrant splicing (PMID: 17576681, 9536098). Algorithms developed to predict the effect of sequence changes on RNA splicing suggest that this variant may disrupt the consensus splice site. In summary, the available evidence is currently insufficient to determine the role of this variant in disease. Therefore, it has been classified as a Variant of Uncertain Significance.

Literature cited by the submitters: PubMed 17576681; PubMed 9536098.